The following is an entry in ClinVar:

NM_000435.3(NOTCH3):c.1098T>G (p.Cys366Trp)

Gene: NOTCH3 (notch receptor 3; minus strand). Cytogenetic location: 19p13.12.
Variant type: single nucleotide variant.
Coding change: c.1098T>G on transcript NM_000435.3 (MANE Select); coding-DNA position 1098, T replaced by G.
Protein change: p.Cys366Trp; replaces cysteine 366 with tryptophan.
Molecular consequence: missense variant.
Genome position (GRCh38, 1-based): chr19:15,189,367, A>C on the plus strand (T>G on the coding strand, the complement: NOTCH3 is on the minus strand). VCF-style: chr19-15189367-A-C. GRCh37 (hg19) VCF-style: chr19-15300178-A-C.
Other names: short protein forms C366W.
Identifiers: ClinVar variation 4884207 (VCV004884207.2).

ClinVar aggregate classification (germline): Likely pathogenic (1 of 4 stars; one submission).

Submission:

Dasa
Classification: Likely pathogenic. Last evaluated: 2025-06-06. Review status: criteria provided, single submitter. Criteria: DASA Assertion Criteria. Collection method: clinical testing. Allele origin: germline.
Comment: NM_000435.3(NOTCH3):c.1098T>G (p.Cys366Trp) is a missense variant that results in the substitution of cysteine with tryptophan. The affected residue or protein region has prior evidence supporting clinical relevance. This variant has been recurrently observed in individuals with NOTCH3-related disorders (PMID: 18499132; PMID: 24035425). Also, this variant is absent from population databases. Computational evidence supports a deleterious effect. Based on the currently available evidence, this variant is classified as likely pathogenic.

Literature cited by the submitters: PubMed 18499132; PubMed 24035425.